The following is an entry in ClinVar:

ClinVar aggregate classification (germline): Uncertain significance. Review status: criteria provided, multiple submitters, no conflicts (2 of 4 stars). 2 submissions from 2 submitters: Uncertain significance (2). Last evaluated 2024-01-15.

Conditions:
Hereditary cancer-predisposing syndrome. Also called: Neoplastic Syndromes, Hereditary; Tumor predisposition; Hereditary Cancer Syndrome; Hereditary neoplastic syndrome. Identifiers: Orphanet 140162, MedGen C0027672, MeSH D009386, MONDO:0015356.
Hereditary nonpolyposis colorectal neoplasms. Identifiers: MedGen C0009405, MeSH D003123.

Submissions (2):

Labcorp Genetics (formerly Invitae), Labcorp
Classification: Uncertain significance for Hereditary nonpolyposis colorectal neoplasms. Last evaluated: 2024-01-15. Review status: criteria provided, single submitter. Criteria: Invitae Variant Classification Sherloc (09022015). Collection method: clinical testing. Allele origin: germline.
Comment: This sequence change replaces aspartic acid, which is acidic and polar, with glycine, which is neutral and non-polar, at codon 64 of the PMS2 protein (p.Asp64Gly). This variant is not present in population databases (gnomAD no frequency). This variant has not been reported in the literature in individuals affected with PMS2-related conditions. ClinVar contains an entry for this variant (Variation ID: 186531). Advanced modeling of protein sequence and biophysical properties (such as structural, functional, and spatial information, amino acid conservation, physicochemical variation, residue mobility, and thermodynamic stability) has been performed at Invitae for this missense variant, however the output from this modeling did not meet the statistical confidence thresholds required to predict the impact of this variant on PMS2 protein function. In summary, the available evidence is currently insufficient to determine the role of this variant in disease. Therefore, it has been classified as a Variant of Uncertain Significance.

Ambry Genetics
Classification: Uncertain significance for Hereditary cancer-predisposing syndrome. Last evaluated: 2014-09-24. Review status: criteria provided, single submitter. Criteria: Ambry Variant Classification Scheme 2023. Collection method: clinical testing. Allele origin: germline.
Comment: The p.D64G variant (also known as c.191A>G) is located in coding exon 3 of the PMS2 gene. This alteration results from a A to G substitution at nucleotide position 191. The aspartic acid at codon 64 is replaced by glycine, an amino acid with some similar properties. This variant was not reported in population-based cohorts in the following databases: Database of Single Nucleotide Polymorphisms (dbSNP), NHLBI Exome Sequencing Project (ESP) and 1000 Genomes Project. To date, this alteration has been detected with an allele frequency of approximately 0.004% (greater than 23,000 alleles tested) in our clinical cohort. Based on protein sequence alignment, this amino acid position is well conserved in available vertebrate species. In addition, the in silico prediction for this alteration is inconclusive. Since supporting evidence is limited at this time, the clinical significance of p.D64G remains unclear.

NM_000535.7(PMS2):c.191A>G (p.Asp64Gly)

Gene: PMS2 (PMS1 homolog 2, mismatch repair system component; minus strand). Cytogenetic location: 7p22.1.
Variant type: single nucleotide variant.
Coding change: c.191A>G on transcript NM_000535.7 (MANE Select); coding-DNA position 191, A replaced by G.
Protein change: p.Asp64Gly; replaces aspartic acid 64 with glycine.
Molecular consequence: missense variant. On other transcripts: 5 prime UTR variant (11), non-coding transcript variant (1).
Genome position (GRCh38, 1-based): chr7:6,004,031, T>C on the plus strand (A>G on the coding strand, the complement: PMS2 is on the minus strand). VCF-style: chr7-6004031-T-C. GRCh37 (hg19) VCF-style: chr7-6043662-T-C.
Other names: c.-215A>G (NM_001322003.2, NM_001322004.2, NM_001322005.2 and 3 more transcripts); c.191A>G, p.Asp64Gly (NM_001322006.2, NM_001322014.2); c.-25A>G (NM_001322007.2, NM_001322008.2); c.-694A>G (NM_001322011.2, NM_001322012.2); c.-294A>G (NM_001322015.2); short protein forms D64G.
Identifiers: ClinVar variation 186531 (VCV000186531.14), dbSNP rs786203019, ClinGen allele CA010451.